The following is an entry in ClinVar:

NM_004260.4(RECQL4):c.3027G>A (p.Gln1009=)

Gene: RECQL4 (RecQ like helicase 4; minus strand). Cytogenetic location: 8q24.3.
Variant type: single nucleotide variant.
Coding change: c.3027G>A on transcript NM_004260.4 (MANE Select); coding-DNA position 3027, G replaced by A.
Protein change: p.Gln1009=; no amino-acid change (glutamine 1009 retained).
Molecular consequence: synonymous variant.
Genome position (GRCh38, 1-based): chr8:144,512,420, C>T on the plus strand (G>A on the coding strand, the complement: RECQL4 is on the minus strand). VCF-style: chr8-144512420-C-T. GRCh37 (hg19) VCF-style: chr8-145737803-C-T.
Identifiers: ClinVar variation 239753 (VCV000239753.12), dbSNP rs372660887, ClinGen allele CA4947969.

ClinVar aggregate classification (germline): Likely benign. Review status: criteria provided, single submitter (1 of 4 stars). 2 submissions from 2 submitters: Likely benign (1). 1 of the submissions does not count toward it. Last evaluated 2026-01-15.

Conditions:
RECQL4-related disorder. Also called: RECQL4-related condition; RECQL4-related disorders.
Baller-Gerold syndrome (BGS). Also called: CRANIOSYNOSTOSIS WITH RADIAL DEFECTS. Identifiers: Orphanet 1225, MedGen C0265308, MONDO:0009039, OMIM 218600.

Allele frequency attached by ClinVar (database versions not stated): gnomAD 0.00002; gnomAD exomes 0.00002 and 0.00005; TOPMed 0.00003; ExAC 0.00004; ESP Exome Variant Server 0.00008.

Submissions (2):

Labcorp Genetics (formerly Invitae), Labcorp
Classification: Likely benign for Baller-Gerold syndrome. Last evaluated: 2026-01-15. Review status: criteria provided, single submitter. Criteria: Invitae Variant Classification Sherloc (09022015). Collection method: clinical testing. Allele origin: germline.

PreventionGenetics, part of Exact Sciences
Classification: Likely benign for RECQL4-related condition. Last evaluated: 2023-05-23. Review status: no assertion criteria provided. Collection method: clinical testing. Allele origin: germline. Not counted in ClinVar's aggregate classification.
Comment: This variant is classified as likely benign based on ACMG/AMP sequence variant interpretation guidelines (Richards et al. 2015 PMID: 25741868, with internal and published modifications).